The following is an entry in ClinVar:

NM_001694.4(ATP6V0C):c.425G>A (p.Gly142Asp)

Gene: ATP6V0C (ATPase H+ transporting V0 subunit c; plus strand). Cytogenetic location: 16p13.3.
Variant type: single nucleotide variant.
Coding change: c.425G>A on transcript NM_001694.4 (MANE Select); coding-DNA position 425, G replaced by A.
Protein change: p.Gly142Asp; replaces glycine 142 with aspartic acid.
Molecular consequence: missense variant.
Genome position (GRCh38, 1-based): chr16:2,519,702, G>A. VCF-style: chr16-2519702-G-A. GRCh37 (hg19) VCF-style: chr16-2569703-G-A.
Other names: c.425G>A, p.Gly142Asp (NM_001198569.2); short protein forms G142D.
Identifiers: ClinVar variation 3252882 (VCV003252882.1), dbSNP rs2505559153.

ClinVar aggregate classification (germline): Likely pathogenic (1 of 4 stars; one submission).

Submission:

GeneDx
Classification: Likely pathogenic. Last evaluated: 2023-12-12. Review status: criteria provided, single submitter. Criteria: GeneDx Variant Classification Process June 2021. Collection method: clinical testing. Allele origin: germline. Affected: yes.
Comment: Not observed at significant frequency in large population cohorts (gnomAD); In silico analysis supports that this missense variant has a deleterious effect on protein structure/function; This variant is associated with the following publications: (PMID: 36074901)